The following is an entry in ClinVar:

ClinVar aggregate classification (germline): Uncertain significance. Review status: criteria provided, multiple submitters, no conflicts (2 of 4 stars). 2 submissions from 2 submitters: Uncertain significance (2). Last evaluated 2026-04-28.

Submissions (2):

Women's Health and Genetics/Laboratory Corporation of America, LabCorp
Classification: Uncertain significance. Last evaluated: 2026-04-28. Review status: criteria provided, single submitter. Criteria: LabCorp Variant Classification Summary - May 2015. Collection method: clinical testing. Allele origin: germline.
Comment: Variant summary: PKD1 c.1823A>G (p.Gln608Arg) results in a conservative amino acid change in the encoded protein sequence. Algorithms developed to predict the effect of missense changes on protein structure and function are either unavailable or do not agree on the potential impact of this missense change. The variant was absent in 152300 control chromosomes. The available data on variant occurrences in the general population are insufficient to allow any conclusion about variant significance. c.1823A>G has been observed in at least one individual affected with autosomal dominant Polycystic Kidney Disease (example: Audrezet_2016). This report does not provide unequivocal conclusions about association of the variant with PKD1-related disorders. To our knowledge, no experimental evidence demonstrating an impact on protein function has been reported. The following publication has been ascertained in the context of this evaluation (PMID: 26139440). ClinVar contains an entry for this variant (Variation ID: 994716). Based on the evidence outlined above, the variant was classified as uncertain significance.

Athena Diagnostics
Classification: Uncertain significance. Last evaluated: 2019-12-30. Review status: criteria provided, single submitter. Criteria: Athena Diagnostics Criteria. Collection method: clinical testing. Allele origin: unknown.

Literature cited by the submitters: PubMed 26139440 (cited by Women's Health and Genetics/Laboratory Corporation of America, LabCorp and Athena Diagnostics).

NM_001009944.3(PKD1):c.1823A>G (p.Gln608Arg)

Gene: PKD1 (polycystin 1, transient receptor potential channel interacting; minus strand). Cytogenetic location: 16p13.3.
Variant type: single nucleotide variant.
Coding change: c.1823A>G on transcript NM_001009944.3 (MANE Select); coding-DNA position 1823, A replaced by G.
Protein change: p.Gln608Arg; replaces glutamine 608 with arginine.
Molecular consequence: missense variant.
Genome position (GRCh38, 1-based): chr16:2,116,018, T>C on the plus strand (A>G on the coding strand, the complement: PKD1 is on the minus strand). VCF-style: chr16-2116018-T-C. GRCh37 (hg19) VCF-style: chr16-2166019-T-C.
Other names: c.1823A>G, p.Gln608Arg (NM_000296.4); short protein forms Q608R.
Identifiers: ClinVar variation 994716 (VCV000994716.2), dbSNP rs1596582588, ClinGen allele CA394391040.
Genomic context (GRCh38, chr16:2,116,018, plus strand): 5'-CCCACCACCCACCACCCACCACCCAGAGTCCCACCTGCTGTGCTGAGGAGCCGGTACACC[T>C]GCAGCCGCAGCTGGGCGGGCCGCCGGAGCTCCTGGGTCCCAAATTCGGCCGTGGTGAGGA-3'
Protein context (NP_001009944.3, residues 598-618): ELRRPAQLRL[Gln608Arg]VYRLLSTAGT